The following is an entry in ClinVar:

ClinVar aggregate classification (germline): Uncertain significance (1 of 4 stars; one submission).

Conditions:
Lafora disease. Also called: Epilepsy progressive myoclonic 2. Identifiers: Orphanet 501, MedGen C0751783, MONDO:0009697.

gnomAD v4.1: 2 of 1,510,850 alleles (0.00013%); highest among the groups gnomAD compares: South Asian, 0.0012%; no homozygotes.

Submission:

Broad Center for Mendelian Genomics, Broad Institute of MIT and Harvard
Classification: Uncertain significance for Lafora disease. Last evaluated: 2025-01-08. Review status: criteria provided, single submitter. Criteria: ACMG Guidelines, 2015. Collection method: curation. Allele origin: germline. Inheritance: Autosomal recessive inheritance.
Comment: The p.Gly101Ser variant in EPM2A has not been previously reported in the literature in individuals with Lafora disease but has been identified in 0.001% (1/76410) of South Asian chromosomes by the Genome Aggregation Database (gnomAD; dbSNP rs962338765). Although this variant has been seen in the general population in a heterozygous state, its frequency is low enough to be consistent with a recessive carrier frequency. Computational prediction tools and conservation analyses suggest that this variant may impact the protein, though this information is not predictive enough to determine pathogenicity. In summary, the clinical significance of the p.Gly101Ser variant is uncertain. ACMG/AMP Criteria applied: PP3, PM2_supporting (Richards 2015).

NM_005670.4(EPM2A):c.301G>A (p.Gly101Ser)

Genes: EPM2A (EPM2A glucan phosphatase, laforin; minus strand), EPM2A-DT (EPM2A divergent transcript; plus strand), LOC129997381 (ATAC-STARR-seq lymphoblastoid silent region 17642; plus strand). Cytogenetic location: 6q24.3.
Variant type: single nucleotide variant.
Coding change: c.301G>A on transcript NM_005670.4 (MANE Select); coding-DNA position 301, G replaced by A.
Protein change: p.Gly101Ser; replaces glycine 101 with serine.
Molecular consequence: missense variant. On other transcripts: 5 prime UTR variant (2), intron variant (2).
Genome position (GRCh38, 1-based): chr6:145,735,198, C>T on the plus strand (G>A on the coding strand, the complement: EPM2A is on the minus strand). VCF-style: chr6-145735198-C-T. GRCh37 (hg19) VCF-style: chr6-146056334-C-T.
Other names: NR_153398.2:n.116+710G>A; c.301G>A, p.Gly101Ser (NM_001018041.2, NM_001360057.2, NM_001368130.1); c.-369G>A (NM_001360071.2); c.-323G>A (NM_001368129.2); c.-114+710G>A (NM_001360064.2); c.-114+47G>A (NM_001368131.1); short protein forms G101S.
Identifiers: ClinVar variation 3776957 (VCV003776957.1).